The following is an entry in ClinVar:

NM_014244.5(ADAMTS2):c.2341G>A (p.Val781Met)

Gene: ADAMTS2 (ADAM metallopeptidase with thrombospondin type 1 motif 2; minus strand). Cytogenetic location: 5q35.3.
Variant type: single nucleotide variant.
Coding change: c.2341G>A on transcript NM_014244.5 (MANE Select); coding-DNA position 2341, G replaced by A.
Protein change: p.Val781Met; replaces valine 781 with methionine.
Molecular consequence: missense variant.
Genome position (GRCh38, 1-based): chr5:179,130,048, C>T on the plus strand (G>A on the coding strand, the complement: ADAMTS2 is on the minus strand). VCF-style: chr5-179130048-C-T. GRCh37 (hg19) VCF-style: chr5-178557049-C-T.
Other names: short protein forms V781M.
Identifiers: ClinVar variation 4687440 (VCV004687440.1).

ClinVar aggregate classification (germline): Uncertain significance (1 of 4 stars; one submission).

gnomAD v4.1: 22 of 1,614,192 alleles (0.0014%); highest among the groups gnomAD compares: South Asian, 0.0044%; no homozygotes.

Submission:

Women's Health and Genetics/Laboratory Corporation of America, LabCorp
Classification: Uncertain significance. Last evaluated: 2025-10-08. Review status: criteria provided, single submitter. Criteria: LabCorp Variant Classification Summary - May 2015. Collection method: clinical testing. Allele origin: germline.
Comment: Variant summary: ADAMTS2 c.2341G>A (p.Val781Met) results in a conservative amino acid change in the encoded protein sequence. Algorithms developed to predict the effect of missense changes on protein structure and function all suggest that this variant is likely to be tolerated. The variant allele was found at a frequency of 4e-06 in 251302 control chromosomes. The available data on variant occurrences in the general population are insufficient to allow any conclusion about variant significance. To our knowledge, no occurrence of c.2341G>A in individuals affected with ADAMTS2-related conditions and no experimental evidence demonstrating its impact on protein function have been reported. No submitters have cited clinical-significance assessments for this variant to ClinVar. Based on the evidence outlined above, the variant was classified as uncertain significance.